The following is an entry in ClinVar:

ClinVar aggregate classification (germline): Pathogenic (1 of 4 stars; one submission).

Conditions:
Duchenne muscular dystrophy (DMD). Also called: Duchenne Muscular Dystrophy (DMD); MUSCULAR DYSTROPHY, PSEUDOHYPERTROPHIC PROGRESSIVE, DUCHENNE TYPE. Identifiers: Orphanet 98896, MedGen C0013264, MONDO:0010679, OMIM 310200.

Submission:

Labcorp Genetics (formerly Invitae), Labcorp
Classification: Pathogenic for Duchenne muscular dystrophy. Last evaluated: 2022-08-31. Review status: criteria provided, single submitter. Criteria: Invitae Variant Classification Sherloc (09022015). Collection method: clinical testing. Allele origin: germline.
Comment: This variant has not been reported in the literature in individuals affected with DMD-related conditions. This variant is not present in population databases (gnomAD no frequency). This sequence change creates a premature translational stop signal (p.Glu2934Lysfs*22) in the DMD gene. It is expected to result in an absent or disrupted protein product. Loss-of-function variants in DMD are known to be pathogenic (PMID: 16770791, 25007885). ClinVar contains an entry for this variant (Variation ID: 1460469). For these reasons, this variant has been classified as Pathogenic.

Literature cited by the submitters: PubMed 16770791; PubMed 25007885.

NM_004006.3(DMD):c.8800del (p.Glu2934fs)

Gene: DMD (dystrophin; minus strand). Cytogenetic location: Xp21.2.
Variant type: Deletion.
Coding change: c.8800del on transcript NM_004006.3 (MANE Select); coding-DNA position 8800, one base deleted (G; older notation c.8800delG).
Protein change: p.Glu2934fs; shifts the reading frame from glutamic acid 2934.
Molecular consequence: frameshift variant.
Genome position (GRCh38, 1-based): chrX:31,478,243, C deleted on the plus strand (G on the coding strand, the reverse complement: DMD is on the minus strand). VCF-style (leftmost placement, unchanged base first): chrX-31478242-TC-T. GRCh37 (hg19) VCF-style: chrX-31496359-TC-T.
Other names: c.8776del, p.Glu2926fs (NM_000109.4); c.8788del, p.Glu2930fs (NM_004009.3); c.8431del, p.Glu2811fs (NM_004010.3); c.4777del, p.Glu1593fs (NM_004011.4); c.4768del, p.Glu1590fs (NM_004012.4); c.1420del, p.Glu474fs (NM_004013.3, NM_004020.4, NM_004021.3 and 2 more transcripts); c.613del, p.Glu205fs (NM_004014.3); short protein forms E1590fs, E2926fs, E2934fs, E1593fs, E205fs, E2811fs, E2930fs, E474fs.
Identifiers: ClinVar variation 1460469 (VCV001460469.6), dbSNP rs2149253335, ClinGen allele CA2573158619.